The following is an entry in ClinVar:

ClinVar aggregate classification (germline): Uncertain significance (1 of 4 stars; one submission).

Submission:

Labcorp Genetics (formerly Invitae), Labcorp
Classification: Uncertain significance. Last evaluated: 2024-01-25. Review status: criteria provided, single submitter. Criteria: Invitae Variant Classification Sherloc (09022015). Collection method: clinical testing. Allele origin: germline.
Comment: This sequence change replaces glycine, which is neutral and non-polar, with alanine, which is neutral and non-polar, at codon 105 of the KREMEN1 protein (p.Gly105Ala). This variant is not present in population databases (gnomAD no frequency). This variant has not been reported in the literature in individuals affected with KREMEN1-related conditions. Advanced modeling of protein sequence and biophysical properties (such as structural, functional, and spatial information, amino acid conservation, physicochemical variation, residue mobility, and thermodynamic stability) has been performed at Invitae for this missense variant, however the output from this modeling did not meet the statistical confidence thresholds required to predict the impact of this variant on KREMEN1 protein function. In summary, the available evidence is currently insufficient to determine the role of this variant in disease. Therefore, it has been classified as a Variant of Uncertain Significance.

NM_001039570.3(KREMEN1):c.314G>C (p.Gly105Ala)

Gene: KREMEN1 (kringle containing transmembrane protein 1; plus strand). Cytogenetic location: 22q12.1.
Variant type: single nucleotide variant.
Coding change: c.314G>C on transcript NM_001039570.3 (MANE Select); coding-DNA position 314, G replaced by C.
Protein change: p.Gly105Ala; replaces glycine 105 with alanine.
Molecular consequence: missense variant.
Genome position (GRCh38, 1-based): chr22:29,098,915, G>C. VCF-style: chr22-29098915-G-C. GRCh37 (hg19) VCF-style: chr22-29494903-G-C.
Other names: c.314G>C, p.Gly105Ala (NM_001039571.1, NM_032045.5); short protein forms G105A.
Identifiers: ClinVar variation 2764778 (VCV002764778.3), dbSNP rs2517653448, ClinGen allele CA411108771.
Genomic context (GRCh38, chr22:29,098,915, plus strand): 5'-CCAACAGAAATCCAGATGGAGACGTGAGCCCCTGGTGCTATGTGGCAGAGCACGAGGATG[G>C]TGTCTACTGGAAGTACTGTGAGATACCTGCTTGCCAGAGTAAGACTGTAATACCCAATGT-3'
Protein context (NP_001034659.2, residues 95-115): PWCYVAEHED[Gly105Ala]VYWKYCEIPA